The following is an entry in ClinVar:

ClinVar aggregate classification (germline): Uncertain significance (1 of 4 stars; one submission).

Submission:

GeneDx
Classification: Uncertain significance. Last evaluated: 2024-06-10. Review status: criteria provided, single submitter. Criteria: GeneDx Variant Classification Process June 2021. Collection method: clinical testing. Allele origin: germline. Affected: yes.
Comment: Not observed at significant frequency in large population cohorts (gnomAD); In silico analysis indicates that this missense variant does not alter protein structure/function; Has not been previously published as pathogenic or benign to our knowledge

NM_007118.4(TRIO):c.6094G>A (p.Gly2032Arg)

Gene: TRIO (trio Rho guanine nucleotide exchange factor; plus strand). Cytogenetic location: 5p15.2.
Variant type: single nucleotide variant.
Coding change: c.6094G>A on transcript NM_007118.4 (MANE Select); coding-DNA position 6094, G replaced by A.
Protein change: p.Gly2032Arg; replaces glycine 2032 with arginine.
Molecular consequence: missense variant. On other transcripts: non-coding transcript variant (1).
Genome position (GRCh38, 1-based): chr5:14,476,904, G>A. VCF-style: chr5-14476904-G-A. GRCh37 (hg19) VCF-style: chr5-14477013-G-A.
Other names: short protein forms G2032R.
Identifiers: ClinVar variation 3390573 (VCV003390573.1).